The following is an entry in ClinVar:

NM_014489.4(PGAP2):c.737G>A (p.Arg246Gln)

Gene: PGAP2 (post-GPI attachment to proteins 2; plus strand). Cytogenetic location: 11p15.4.
Variant type: single nucleotide variant.
Coding change: c.737G>A on transcript NM_014489.4 (MANE Select); coding-DNA position 737, G replaced by A.
Protein change: p.Arg246Gln; replaces arginine 246 with glutamine.
Molecular consequence: missense variant. On other transcripts: synonymous variant (8), non-coding transcript variant (15).
Genome position (GRCh38, 1-based): chr11:3,825,048, G>A. VCF-style: chr11-3825048-G-A. GRCh37 (hg19) VCF-style: chr11-3846278-G-A.
Other names: c.542G>A, p.Arg181Gln (NM_001145438.3, NM_001256239.2, NM_001346400.2); c.608G>A, p.Arg203Gln (NM_001256235.2); c.737G>A, p.Arg246Gln (NM_001256236.2); c.633G>A, p.Ala211= (NM_001256237.2, NM_001346404.1); c.627G>A, p.Ala209= (NM_001256238.2); c.554G>A, p.Arg185Gln (NM_001256240.2, NM_001283038.2, NM_001346398.2 and 1 more transcripts); c.477G>A, p.Ala159= (NM_001283039.2); c.297G>A, p.Ala99= (NM_001283040.1); and 5 more; short protein forms R181Q, R185Q, R203Q, R225Q, R236Q, R238Q, R242Q, R246Q.
Identifiers: ClinVar variation 4849327 (VCV004849327.1).

ClinVar aggregate classification (germline): Likely pathogenic (1 of 4 stars; one submission).

Conditions:
Hyperphosphatasia with impaired intellectual development syndrome 3. Also called: GLYCOSYLPHOSPHATIDYLINOSITOL BIOSYNTHESIS DEFECT 8; Hyperphosphatasia with intellectual disability syndrome 3. Identifiers: Orphanet 247262, MedGen C3280153, MONDO:0013628, OMIM 614207.

Submission:

First Genomix Gene Laboratory, Genetic Diagnostics Department
Classification: Likely pathogenic for Hyperphosphatasia with impaired intellectual development syndrome 3. Last evaluated: 2025-07-01. Review status: criteria provided, single submitter. Criteria: ACMG Guidelines, 2015. Collection method: clinical testing. Allele origin: germline. Inheritance: Autosomal recessive inheritance. Affected: no. Observed: 1 variant allele.